The following is an entry in ClinVar:

NM_145038.5(DRC1):c.1511_1512delinsTA (p.Gly504Val)

Gene: DRC1 (dynein regulatory complex subunit 1; plus strand). Cytogenetic location: 2p23.3.
Variant type: Indel.
Coding change: c.1511_1512delinsTA on transcript NM_145038.5 (MANE Select); coding-DNA positions 1511 to 1512, GG replaced by TA.
Protein change: p.Gly504Val; replaces glycine 504 with valine.
Molecular consequence: missense variant.
Genome position (GRCh38, 1-based): chr2:26,449,997-26,449,998, GG replaced by TA. VCF-style: chr2-26449997-GG-TA. GRCh37 (hg19) VCF-style: chr2-26672865-GG-TA.
Other names: short protein forms G504V.
Identifiers: ClinVar variation 1400203 (VCV001400203.6), dbSNP rs2148004453, ClinGen allele CA2573134486.
Genomic context (GRCh38, chr2:26,449,997, plus strand): 5'-CCTGGGACTCGCTCCTGAAACCTGTCCCCGACAGGAGATGCCTTCTTCCTTCTCCCCAGG[GG>TA]TTCCTCATAGAGAGCAAGCTGCTGAGCCTTCTCCTGCCCCTGGAGCAGAATGAATGCTAT-3'
Protein context (NP_659475.2, residues 494-514): RILMLLCDES[Gly504Val]FLIESKLLSL

ClinVar aggregate classification (germline): Uncertain significance (1 of 4 stars; one submission).

Conditions:
Primary ciliary dyskinesia. Also called: Ciliary dyskinesia. Identifiers: Orphanet 244, MedGen C0008780, MONDO:0016575, HP:0012265.

Submission:

Labcorp Genetics (formerly Invitae), Labcorp
Classification: Uncertain significance for Primary ciliary dyskinesia. Last evaluated: 2021-06-10. Review status: criteria provided, single submitter. Criteria: Invitae Variant Classification Sherloc (09022015). Collection method: clinical testing. Allele origin: germline.
Comment: In summary, the available evidence is currently insufficient to determine the role of this variant in disease. Therefore, it has been classified as a Variant of Uncertain Significance. Algorithms developed to predict the effect of sequence changes on RNA splicing suggest that this variant may create or strengthen a splice site, but this prediction has not been confirmed by published transcriptional studies. Algorithms developed to predict the effect of missense changes on protein structure and function are either unavailable or do not agree on the potential impact of this missense change (SIFT: "Not Available"; PolyPhen-2: "Benign"; Align-GVGD: "Not Available"). This variant has not been reported in the literature in individuals with DRC1-related conditions. The frequency data for this variant in the population databases is not available, as this variant may be reported as separate entries in the ExAC database. This sequence change replaces glycine with valine at codon 504 of the DRC1 protein (p.Gly504Val). The glycine residue is highly conserved and there is a moderate physicochemical difference between glycine and valine.